The following is an entry in ClinVar:

NM_206933.4(USH2A):c.3123C>A (p.His1041Gln)

Genes: USH2A (usherin; minus strand), USH2A-AS1 (USH2A antisense RNA 1; plus strand). Cytogenetic location: 1q41.
Variant type: single nucleotide variant.
Coding change: c.3123C>A on transcript NM_206933.4 (MANE Select); coding-DNA position 3123, C replaced by A.
Protein change: p.His1041Gln; replaces histidine 1041 with glutamine.
Molecular consequence: missense variant.
Genome position (GRCh38, 1-based): chr1:216,217,421, G>T on the plus strand (C>A on the coding strand, the complement: USH2A is on the minus strand). VCF-style: chr1-216217421-G-T. GRCh37 (hg19) VCF-style: chr1-216390763-G-T.
Other names: c.3123C>A, p.His1041Gln (NM_007123.6); short protein forms H1041Q.
Identifiers: ClinVar variation 48495 (VCV000048495.74), dbSNP rs149304901, ClinGen allele CA143454.

ClinVar aggregate classification (germline): Conflicting classifications of pathogenicity. Review status: criteria provided, conflicting classifications (1 of 4 stars). 16 submissions from 14 submitters: Uncertain significance (8); Benign (1); Likely benign (3). 4 of the submissions do not count toward it. Last evaluated 2026-07-01.

Conditions:
Retinal dystrophy. Also called: Inherited retinal dystrophy. Identifiers: Orphanet 71862, MedGen C0854723, MeSH D058499, MONDO:0019118, HP:0000556.
Retinitis pigmentosa (RP). Identifiers: Orphanet 791, MedGen C0035334, MeSH D012174, MONDO:0019200, OMIM 268000. Inheritance: Autosomal dominant, autosomal recessive and X linked inheritance.
Usher syndrome type 2A. Also called: RETINAL DISEASE IN USHER SYNDROME TYPE IIA, MODIFIER OF; USHER SYNDROME, TYPE IIA. Identifiers: Orphanet 231178, Orphanet 886, MedGen C1848634, MONDO:0010169, OMIM 276901.
Retinitis pigmentosa 39 (RP39). Identifiers: Orphanet 791, MedGen C3151138, MONDO:0013436, OMIM 613809.

Allele frequency attached by ClinVar (database versions not stated): ESP Exome Variant Server 0.00161; TOPMed 0.00165; gnomAD 0.00186 and 0.00187; gnomAD exomes 0.00252 and 0.00159; 1000 Genomes Project 30x 0.00062; 1000 Genomes Project 0.00080; ExAC 0.00152.
gnomAD v4.1: 3,933 of 1,613,148 alleles (0.24%); highest among the groups gnomAD compares: South Asian, 0.32%; 11 homozygotes.

Submissions (16):

CeGaT Center for Human Genetics Tuebingen
Classification: Likely benign. Last evaluated: 2026-07-01. Review status: criteria provided, single submitter. Criteria: CeGaT Center For Human Genetics Tuebingen Variant Classification Criteria Version 2. Collection method: clinical testing. Allele origin: germline. Affected: yes. Observed: 11 variant alleles.
Comment: USH2A: BP4, BS2

Labcorp Genetics (formerly Invitae), Labcorp
Classification: Benign. Last evaluated: 2026-02-01. Review status: criteria provided, single submitter. Criteria: Invitae Variant Classification Sherloc (09022015). Collection method: clinical testing. Allele origin: germline.

Blueprint Genetics
Classification: Likely benign. Last evaluated: 2024-11-20. Review status: criteria provided, single submitter. Criteria: ACMG Guidelines, 2015. Collection method: clinical testing. Allele origin: germline.

Genome-Nilou Lab
Classification: Uncertain significance for Usher syndrome type 2A. Last evaluated: 2021-07-22. Review status: criteria provided, single submitter. Criteria: ACMG Guidelines, 2015. Collection method: clinical testing. Allele origin: germline. Affected: no.

Genome-Nilou Lab
Classification: Uncertain significance for Retinitis pigmentosa 39. Last evaluated: 2021-07-22. Review status: criteria provided, single submitter. Criteria: ACMG Guidelines, 2015. Collection method: clinical testing. Allele origin: germline. Affected: no.

DBGen Ocular Genomics
Classification: Uncertain significance for Retinitis pigmentosa 39. Last evaluated: 2021-06-23. Review status: criteria provided, single submitter. Criteria: ACMG Guidelines, 2015. Collection method: clinical testing. Allele origin: germline. Affected: yes. Observed: 1 variant allele.

Pars Genome Lab
Classification: Uncertain significance for Usher syndrome type 2A. Last evaluated: 2021-05-18. Review status: criteria provided, single submitter. Criteria: ACMG Guidelines, 2015. Collection method: clinical testing. Allele origin: germline. Affected: no.

GeneDx
Classification: Uncertain significance. Last evaluated: 2021-04-30. Review status: criteria provided, single submitter. Criteria: GeneDx Variant Classification Process June 2021. Collection method: clinical testing. Allele origin: germline. Affected: yes.
Comment: Reported in patients with an USH2A related disorder, however variants in other causative genes were also identified (Bujakowska et al., 2014); In silico analysis supports that this missense variant has a deleterious effect on protein structure/function; This variant is associated with the following publications: (PMID: 25468891, 21147909)

Eurofins Ntd Llc (ga)
Classification: Uncertain significance. Last evaluated: 2017-09-28. Review status: criteria provided, single submitter. Criteria: EGL Classification Definitions 2015. Collection method: clinical testing. Allele origin: germline. Observed: 2 variant alleles, 2 heterozygotes.

Illumina Laboratory Services, Illumina
Classification: Uncertain significance for Retinitis pigmentosa. Last evaluated: 2017-04-27. Review status: criteria provided, single submitter. Criteria: ICSL Variant Classification Criteria 13 December 2019. Collection method: clinical testing. Allele origin: germline.
Comment: This variant was observed as part of a predisposition screen in an ostensibly healthy population. A literature search was performed for the gene, cDNA change, and amino acid change (where applicable). Publications were found based on this search. However, the evidence from the literature, in combination with allele frequency data from public databases where available, was not sufficient to rule this variant in or out of causing disease. Therefore, this variant is classified as a variant of unknown significance.

Illumina Laboratory Services, Illumina
Classification: Uncertain significance for Usher syndrome type 2A. Last evaluated: 2017-04-27. Review status: criteria provided, single submitter. Criteria: ICSL Variant Classification Criteria 13 December 2019. Collection method: clinical testing. Allele origin: germline.
Comment: the same text as in the submission from Illumina Laboratory Services, Illumina above.

Laboratory for Molecular Medicine, Mass General Brigham Personalized Medicine
Classification: Likely benign. Last evaluated: 2015-05-05. Review status: criteria provided, single submitter. Criteria: LMM Criteria. Collection method: clinical testing. Allele origin: germline. Observed: 9 variant alleles.
Comment: p.His1041Gln in exon 15 of USH2A: This variant is not expected to have clinical significance because it has been identified in 0.2% (135/66210) of European chro mosomes and in 0.2% (37/16414) of South Asian chromosomes including 2 homozygote s by the Exome Aggregation Consortium (ExAC; dbS NP rs149304901).

Institute of Human Genetics, Univ. Regensburg, Univ. Regensburg
Classification: Uncertain significance for Retinal dystrophy. Last evaluated: 2021-01-01. Review status: no assertion criteria provided. Criteria: ACMG Guidelines, 2015. Collection method: clinical testing. Allele origin: germline. Affected: yes. Not counted in ClinVar's aggregate classification.

Clinical Genetics DNA and cytogenetics Diagnostics Lab, Erasmus MC, Erasmus Medical Center
Classification: Likely benign. Review status: no assertion criteria provided. Collection method: clinical testing. Allele origin: germline. Affected: yes. Study: VKGL Data-share Consensus. Not counted in ClinVar's aggregate classification.

Clinical Genetics, Academic Medical Center
Classification: Likely benign. Review status: no assertion criteria provided. Collection method: clinical testing. Allele origin: germline. Affected: yes. Study: VKGL Data-share Consensus. Not counted in ClinVar's aggregate classification.

Joint Genome Diagnostic Labs from Nijmegen and Maastricht, Radboudumc and MUMC+
Classification: Likely benign. Review status: no assertion criteria provided. Collection method: clinical testing. Allele origin: germline. Affected: yes. Study: VKGL Data-share Consensus. Not counted in ClinVar's aggregate classification.

Literature cited by the submitters: PubMed 21147909 (cited by Illumina Laboratory Services, Illumina and Laboratory for Molecular Medicine, Mass General Brigham Personalized Medicine); PubMed 25468891 (cited by Illumina Laboratory Services, Illumina).